The following is an entry in ClinVar:

ClinVar aggregate classification (germline): Uncertain significance (1 of 4 stars; one submission).

Conditions:
Dilated cardiomyopathy 1J (CMD1J). Also called: CARDIOMYOPATHY, DILATED, WITH SENSORINEURAL HEARING LOSS, AUTOSOMAL DOMINANT. Identifiers: Orphanet 217622, MedGen C1854368, MONDO:0011541, OMIM 605362.

Submission:

Labcorp Genetics (formerly Invitae), Labcorp
Classification: Uncertain significance for Dilated cardiomyopathy 1J. Last evaluated: 2018-06-25. Review status: criteria provided, single submitter. Criteria: Invitae Variant Classification Sherloc (09022015). Collection method: clinical testing. Allele origin: germline.
Comment: This variant is not present in population databases (ExAC no frequency). This sequence change replaces serine with phenylalanine at codon 305 of the EYA4 protein (p.Ser305Phe). The serine residue is moderately conserved and there is a large physicochemical difference between serine and phenylalanine. In summary, the available evidence is currently insufficient to determine the role of this variant in disease. Therefore, it has been classified as a Variant of Uncertain Significance. Algorithms developed to predict the effect of missense changes on protein structure and function are either unavailable or do not agree on the potential impact of this missense change (SIFT: "Deleterious"; PolyPhen-2: "Possibly Damaging"; Align-GVGD: "Class C15"). This variant has not been reported in the literature in individuals with EYA4-related disease.

NM_004100.5(EYA4):c.914C>T (p.Ser305Phe)

Gene: EYA4 (EYA transcriptional coactivator and phosphatase 4; plus strand). Cytogenetic location: 6q23.2.
Variant type: single nucleotide variant.
Coding change: c.914C>T on transcript NM_004100.5 (MANE Select); coding-DNA position 914, C replaced by T.
Protein change: p.Ser305Phe; replaces serine 305 with phenylalanine.
Molecular consequence: missense variant.
Genome position (GRCh38, 1-based): chr6:133,468,675, C>T. VCF-style: chr6-133468675-C-T. GRCh37 (hg19) VCF-style: chr6-133789813-C-T.
Other names: c.752C>T, p.Ser251Phe (NM_001301012.2, NM_001370459.1); c.914C>T, p.Ser305Phe (NM_001301013.2, NM_172105.4); c.845C>T, p.Ser282Phe (NM_001370458.1, NM_172103.4); short protein forms S251F, S282F, S305F.
Identifiers: ClinVar variation 1005464 (VCV001005464.8), dbSNP rs1795057880, ClinGen allele CA365703748.